The following is an entry in ClinVar:

NM_016219.5(MAN1B1):c.453G>C (p.Glu151Asp)

Gene: MAN1B1 (mannosidase alpha class 1B member 1; plus strand). Cytogenetic location: 9q34.3.
Variant type: single nucleotide variant.
Coding change: c.453G>C on transcript NM_016219.5 (MANE Select); coding-DNA position 453, G replaced by C.
Protein change: p.Glu151Asp; replaces glutamic acid 151 with aspartic acid.
Molecular consequence: missense variant. On other transcripts: non-coding transcript variant (2).
Genome position (GRCh38, 1-based): chr9:137,088,993, G>C. VCF-style: chr9-137088993-G-C. GRCh37 (hg19) VCF-style: chr9-139983445-G-C.
Other names: short protein forms E151D.
Identifiers: ClinVar variation 4795358 (VCV004795358.1).

ClinVar aggregate classification (germline): Uncertain significance (1 of 4 stars; one submission).

gnomAD v4.1: 37 of 1,613,984 alleles (0.0023%); highest among the groups gnomAD compares: Admixed American, 0.062%; no homozygotes.

Submission:

GeneDx
Classification: Uncertain significance. Last evaluated: 2025-08-16. Review status: criteria provided, single submitter. Criteria: GeneDx Variant Classification Process June 2021. Collection method: clinical testing. Allele origin: germline. Affected: yes.
Comment: In silico analysis suggests that this missense variant does not alter protein structure/function; Has not been previously published as pathogenic or benign to our knowledge